The following is an entry in ClinVar:

ClinVar aggregate classification (germline): Uncertain significance (1 of 4 stars; one submission).

Conditions:
Wiedemann-Steiner syndrome (WDSTS). Also called: Growth deficiency and mental retardation with facial dysmorphism. Identifiers: Orphanet 319182, MedGen C1854630, MONDO:0011518, OMIM 605130.

Submission:

3billion
Classification: Uncertain significance for Wiedemann-Steiner syndrome. Last evaluated: 2024-01-12. Review status: criteria provided, single submitter. Criteria: ACMG Guidelines, 2015. Collection method: clinical testing. Allele origin: germline. Affected: yes.
Comment: The variant is not observed in the gnomAD v2.1.1 dataset. Predicted Consequence/Location: Missense variant Damaging effect on gene or gene product predicted by in silico programs is uncertain [REVEL: 0.44 (damaging >=0.6, benign <0.4), 3Cnet: 0.17 (damaging >=0.6, benign <0.15)]. Different missense changes at the same codon (p.Leu2857Arg, p.Leu2857Gln) have been reported as pathogenic/likely pathogenic with strong evidence (ClinVar ID: VCV000379700, VCV002301879). Therefore, this variant is classified as VUS according to the recommendation of ACMG/AMP guideline.

NM_001197104.2(KMT2A):c.8569C>G (p.Leu2857Val)

Gene: KMT2A (lysine methyltransferase 2A; plus strand). Cytogenetic location: 11q23.3.
Variant type: single nucleotide variant.
Coding change: c.8569C>G on transcript NM_001197104.2 (MANE Select); coding-DNA position 8569, C replaced by G.
Protein change: p.Leu2857Val; replaces leucine 2857 with valine.
Molecular consequence: missense variant.
Genome position (GRCh38, 1-based): chr11:118,504,461, C>G. VCF-style: chr11-118504461-C-G. GRCh37 (hg19) VCF-style: chr11-118375176-C-G.
Other names: c.8659C>G, p.Leu2887Val (NM_001412597.1); c.8560C>G, p.Leu2854Val (NM_005933.4); short protein forms L2854V, L2857V, L2887V.
Identifiers: ClinVar variation 3775933 (VCV003775933.1).
Genomic context (GRCh38, chr11:118,504,461, plus strand): 5'-GACAATAACAACAGTGATGACTGTGGGAATATCCTGCCTTCAGACATTATGGACTTTGTA[C>G]TAAAGAATACTCCATCCATGCAGGCTTTGGGTGAGAGCCCAGAGTCATCTTCATCAGAAC-3'
Protein context (NP_001184033.1, residues 2847-2867): ILPSDIMDFV[Leu2857Val]KNTPSMQALG